The following is an entry in ClinVar:

ClinVar aggregate classification (germline): Uncertain significance. Review status: criteria provided, multiple submitters, no conflicts (2 of 4 stars). 2 submissions from 2 submitters: Uncertain significance (2). Last evaluated 2024-02-12.

Conditions:
Spermatogenic failure 18. Identifiers: MedGen C4539783, MONDO:0054615, OMIM 617576.
Ciliary dyskinesia, primary, 37 (CILD37). Also called: CILIARY DYSKINESIA, PRIMARY, 37, WITH OR WITHOUT SITUS INVERSUS. Identifiers: MedGen C4539798, MONDO:0033204, OMIM 617577.

Allele frequency attached by ClinVar (database versions not stated): ExAC 0.00004; gnomAD exomes 0.00009 and 0.00015; gnomAD 0.00017 and 0.00021; TOPMed 0.00017.
gnomAD v4.1: 248 of 1,613,450 alleles (0.015%); highest among the groups gnomAD compares: Admixed American, 0.023%; no homozygotes.

Submissions (2):

Ambry Genetics
Classification: Uncertain significance. Last evaluated: 2024-02-12. Review status: criteria provided, single submitter. Criteria: Ambry Variant Classification Scheme 2023. Collection method: clinical testing. Allele origin: germline.

Labcorp Genetics (formerly Invitae), Labcorp
Classification: Uncertain significance for Ciliary dyskinesia, primary, 37; Spermatogenic failure 18. Last evaluated: 2022-07-03. Review status: criteria provided, single submitter. Criteria: Invitae Variant Classification Sherloc (09022015). Collection method: clinical testing. Allele origin: germline.
Comment: In summary, the available evidence is currently insufficient to determine the role of this variant in disease. Therefore, it has been classified as a Variant of Uncertain Significance. Algorithms developed to predict the effect of missense changes on protein structure and function output the following: SIFT: "Deleterious"; PolyPhen-2: "Benign"; Align-GVGD: "Class C0". The cysteine amino acid residue is found in multiple mammalian species, which suggests that this missense change does not adversely affect protein function. ClinVar contains an entry for this variant (Variation ID: 842814). This variant has not been reported in the literature in individuals affected with DNAH1-related conditions. This variant is present in population databases (rs767363776, gnomAD 0.03%). This sequence change replaces arginine, which is basic and polar, with cysteine, which is neutral and slightly polar, at codon 2376 of the DNAH1 protein (p.Arg2376Cys).

NM_015512.5(DNAH1):c.7126C>T (p.Arg2376Cys)

Gene: DNAH1 (dynein axonemal heavy chain 1; plus strand). Cytogenetic location: 3p21.1.
Variant type: single nucleotide variant.
Coding change: c.7126C>T on transcript NM_015512.5 (MANE Select); coding-DNA position 7126, C replaced by T.
Protein change: p.Arg2376Cys; replaces arginine 2376 with cysteine.
Molecular consequence: missense variant.
Genome position (GRCh38, 1-based): chr3:52,375,380, C>T. VCF-style: chr3-52375380-C-T. GRCh37 (hg19) VCF-style: chr3-52409396-C-T.
Other names: short protein forms R2376C.
Identifiers: ClinVar variation 842814 (VCV000842814.6), dbSNP rs767363776, ClinGen allele CA2434760.